The following is an entry in ClinVar:

NM_006031.6(PCNT):c.3318A>C (p.Lys1106Asn)

Gene: PCNT (pericentrin; plus strand). Cytogenetic location: 21q22.3.
Variant type: single nucleotide variant.
Coding change: c.3318A>C on transcript NM_006031.6 (MANE Select); coding-DNA position 3318, A replaced by C.
Protein change: p.Lys1106Asn; replaces lysine 1106 with asparagine.
Molecular consequence: missense variant.
Genome position (GRCh38, 1-based): chr21:46,385,837, A>C. VCF-style: chr21-46385837-A-C. GRCh37 (hg19) VCF-style: chr21-47805752-A-C.
Other names: c.2964A>C, p.Lys988Asn (NM_001315529.2); short protein forms K988N, K1106N.
Identifiers: ClinVar variation 4996948 (VCV004996948.1).

ClinVar aggregate classification (germline): Uncertain significance (1 of 4 stars; one submission).

Conditions:
PCNT-related disorder. Also called: PCNT-related condition.

Submission:

PreventionGenetics, part of Exact Sciences
Classification: Uncertain significance for PCNT-related condition. Last evaluated: 2025-02-09. Review status: criteria provided, single submitter. Criteria: ACMG Guidelines, 2015. Collection method: clinical testing. Allele origin: germline.
Comment: The PCNT c.3318A>C variant is predicted to result in the amino acid substitution p.Lys1106Asn. To our knowledge, this variant has not been reported in the literature or in a large population database (gnomAD), indicating this variant is rare. At this time, the clinical significance of this variant is uncertain due to the absence of conclusive functional and genetic evidence.